The following is an entry in ClinVar:

ClinVar aggregate classification (germline): Conflicting classifications of pathogenicity. Review status: criteria provided, conflicting classifications (1 of 4 stars). 4 submissions from 4 submitters: Likely pathogenic (1); Uncertain significance (3). Last evaluated 2025-05-01.

Conditions:
Autosomal recessive limb-girdle muscular dystrophy type 2W (MDRCMTT). Also called: Muscular dystrophy, limb-girdle, type 2W; Muscular dystrophy, autosomal recessive, with cardiomyopathy and triangular tongue. Identifiers: MedGen C4225192, MONDO:0014788, OMIM 616827.

Submissions (4):

Labcorp Genetics (formerly Invitae), Labcorp
Classification: Uncertain significance for Autosomal recessive limb-girdle muscular dystrophy type 2W. Last evaluated: 2025-05-01. Review status: criteria provided, single submitter. Criteria: Invitae Variant Classification Sherloc (09022015). Collection method: clinical testing. Allele origin: germline.
Comment: This sequence change creates a premature translational stop signal (p.Phe244Cysfs*6) in the LIMS2 gene. It is expected to result in an absent or disrupted protein product. However, the current clinical and genetic evidence is not sufficient to establish whether loss-of-function variants in LIMS2 cause disease. This variant is present in population databases (rs750940675, gnomAD 0.003%). This variant has not been reported in the literature in individuals affected with LIMS2-related conditions. ClinVar contains an entry for this variant (Variation ID: 957002). In summary, the available evidence is currently insufficient to determine the role of this variant in disease. Therefore, it has been classified as a Variant of Uncertain Significance.

Variantyx, Inc.
Classification: Likely pathogenic for Autosomal recessive limb-girdle muscular dystrophy type 2W. Last evaluated: 2025-04-03. Review status: criteria provided, single submitter. Criteria: Variantyx Assertion Criteria 2022. Collection method: clinical testing. Allele origin: germline. Inheritance: Autosomal recessive inheritance.
Comment: This is a frameshift variant in the LIMS2 gene (OMIM: 607908). Pathogenic variants in this gene have been associated with autosomal recessive muscular dystrophy with cardiomyopathy and triangular tongue. This variant introduces a premature termination codon in exon 7 out of 10 and is expected to result in loss of function, which is a known disease mechanism for LIMS2 in this disorder (PMID:25589244) (PVS1). This variant has a 0.0047% maximum allele frequency in non-founder control populations (PM2). Based on the current evidence, this variant is classified as likely pathogenic for autosomal recessive muscular dystrophy with cardiomyopathy and triangular tongue.

CeGaT Center for Human Genetics Tuebingen
Classification: Uncertain significance. Last evaluated: 2024-07-01. Review status: criteria provided, single submitter. Criteria: CeGaT Center For Human Genetics Tuebingen Variant Classification Criteria Version 2. Collection method: clinical testing. Allele origin: germline. Affected: yes. Observed: 1 variant allele.
Comment: LIMS2: PM2

Revvity Omics, Revvity
Classification: Uncertain significance for Autosomal recessive limb-girdle muscular dystrophy type 2W. Last evaluated: 2020-01-30. Review status: criteria provided, single submitter. Criteria: ACMG Guidelines, 2015. Collection method: clinical testing. Allele origin: germline.

Literature cited by the submitters: PubMed 25589244 (cited by Variantyx, Inc.).

NM_001161403.3(LIMS2):c.665_666del (p.Phe222fs)

Gene: LIMS2 (LIM zinc finger domain containing 2; minus strand). Cytogenetic location: 2q14.3.
Variant type: Deletion.
Coding change: c.665_666del on transcript NM_001161403.3 (MANE Select); coding-DNA positions 665 to 666, 2 bases deleted (TT; older notation c.665_666delTT).
Protein change: p.Phe222fs; shifts the reading frame from phenylalanine 222.
Molecular consequence: frameshift variant.
Genome position (GRCh38, 1-based): chr2:127,640,983-127,640,984, AA deleted on the plus strand (TT on the coding strand, the reverse complement: LIMS2 is on the minus strand); deleting any 2 consecutive bases within chr2:127,640,983-127,640,985 gives the same sequence; the c. name uses the placement nearest the transcript's 3' end. VCF-style (leftmost placement, unchanged base first): chr2-127640982-CAA-C. GRCh37 (hg19) VCF-style: chr2-128398557-CAA-C.
Other names: c.731_732del, p.Phe244fs (NM_001136037.4); c.650_651del, p.Phe217fs (NM_001161404.2); c.209_210del, p.Phe70fs (NM_001256542.2); c.737_738del, p.Phe246fs (NM_017980.5); short protein forms F217fs, F244fs, F70fs, F222fs, F246fs.
Identifiers: ClinVar variation 957002 (VCV000957002.28), dbSNP rs750940675, ClinGen allele CA55426380.